The following is an entry in ClinVar:

NM_000520.6(HEXA):c.570+1G>A

Gene: HEXA (hexosaminidase subunit alpha; minus strand). Cytogenetic location: 15q23.
Variant type: single nucleotide variant.
Coding change: c.570+1G>A on transcript NM_000520.6 (MANE Select); the canonical splice donor site of the intron after coding-DNA position 570, G replaced by A.
Molecular consequence: splice donor variant.
Genome position (GRCh38, 1-based): chr15:72,353,067, C>T on the plus strand (G>A on the coding strand, the complement: HEXA is on the minus strand). VCF-style: chr15-72353067-C-T. GRCh37 (hg19) VCF-style: chr15-72645408-C-T.
Other names: c.570+1G>A (NM_000520.5); c.603+1G>A (NM_001318825.2).
Identifiers: ClinVar variation 189180 (VCV000189180.11), dbSNP rs786204754, ClinGen allele CA274467.
Genomic context (GRCh38, chr15:72,353,067, plus strand): 5'-TGTCCGTTGCTCCATCACCCTAGAACTCTTAAGTGTGAAGAAGGCCTTAAGGCCTGGTTA[C>T]CAGAGTGTCCAGGATGCTAGAGAGTGGCAGGTAATGGCGAGATGTATCCAACAGCAAGCC-3'

ClinVar aggregate classification (germline): Pathogenic/Likely pathogenic. Review status: criteria provided, multiple submitters, no conflicts (2 of 4 stars). 4 submissions from 4 submitters: Pathogenic (2); Likely pathogenic (1). 1 of the submissions does not count toward it. Last evaluated 2025-01-29.

Conditions:
Tay-Sachs disease (TSD). Also called: HEXA DEFICIENCY; GM2 gangliosidosis, type 1; Hexosaminidase alpha-subunit deficiency (variant B); Sphingolipidosis, Tay-Sachs; Hexosaminidase A Deficiency; HEXA Disorders. Identifiers: Orphanet 845, MedGen C0039373, MONDO:0010100, OMIM 272800.

gnomAD v4.1: 1 of 1,587,706 alleles (0.000063%); highest among the groups gnomAD compares: Non-Finnish European, 0.000087%; no homozygotes.

Submissions (4):

Natera, Inc.
Classification: Likely pathogenic for Tay-Sachs disease. Last evaluated: 2025-01-29. Review status: criteria provided, single submitter. Criteria: Natera Variant Classification Schema (03/2026). Collection method: clinical testing. Allele origin: germline.
Comment: The c.570+1G>A variant in HEXA is a canonical splice donor site variant predicted to affect pre-mRNA splicing, which may result in an abnormal transcript and altered protein product. This variant is expected to result in nonsense mediated decay, truncation, or a dysfunctional protein product. This variant is rare in the general population with a frequency below the threshold expected for the associated phenotype(s). This variant has been observed in one or more individuals affected with the associated recessive disease, as either homozygous or compound heterozygous with a second variant (PMID: 38165373, 7749419). Given the available evidence, this variant is classified as Likely Pathogenic.

Labcorp Genetics (formerly Invitae), Labcorp
Classification: Pathogenic for Tay-Sachs disease. Last evaluated: 2024-12-09. Review status: criteria provided, single submitter. Criteria: Invitae Variant Classification Sherloc (09022015). Collection method: clinical testing. Allele origin: germline.
Comment: This sequence change affects a donor splice site in intron 5 of the HEXA gene. It is expected to disrupt RNA splicing. Variants that disrupt the donor or acceptor splice site typically lead to a loss of protein function (PMID: 16199547), and loss-of-function variants in HEXA are known to be pathogenic (PMID: 1833974, 8490625). This variant is not present in population databases (gnomAD no frequency). Disruption of this splice site has been observed in individuals with Tay-Sachs disease (PMID: 7749419, 10083731). ClinVar contains an entry for this variant (Variation ID: 189180). Algorithms developed to predict the effect of sequence changes on RNA splicing suggest that this variant may disrupt the consensus splice site. For these reasons, this variant has been classified as Pathogenic.

Quest Diagnostics Nichols Institute San Juan Capistrano
Classification: Pathogenic. Last evaluated: 2021-07-20. Review status: criteria provided, single submitter. Criteria: Quest Diagnostics criteria. Collection method: clinical testing. Allele origin: unknown.
Comment: The variant is located in a canonical splice-donor site and interferes with normal HEXA mRNA splicing. The variant has been reported in individuals affected with Tay-Sachs disease in the published literature (PMIDs: 10083731 (1999) and 7749419 (1995)). Therefore, the variant is classified as pathogenic.

Counsyl
Classification: Likely pathogenic for Tay-Sachs disease. Last evaluated: 2015-02-13. Review status: no assertion criteria provided. Collection method: literature only. Allele origin: unknown. Inheritance: Autosomal recessive inheritance. Not counted in ClinVar's aggregate classification.

Literature cited by the submitters: PubMed 38165373 (cited by Natera, Inc.); PubMed 7749419 (cited by 4 submitters); PubMed 16199547 (cited by Labcorp Genetics (formerly Invitae), Labcorp); PubMed 1833974 (cited by Labcorp Genetics (formerly Invitae), Labcorp); PubMed 8490625 (cited by Labcorp Genetics (formerly Invitae), Labcorp); PubMed 10083731 (cited by 3 submitters).